The following is an entry in ClinVar:

NM_000138.5(FBN1):c.4568G>A (p.Arg1523Gln)

Gene: FBN1 (fibrillin 1; minus strand). Cytogenetic location: 15q21.1.
Variant type: single nucleotide variant.
Coding change: c.4568G>A on transcript NM_000138.5 (MANE Select); coding-DNA position 4568, G replaced by A.
Protein change: p.Arg1523Gln; replaces arginine 1523 with glutamine.
Molecular consequence: missense variant.
Genome position (GRCh38, 1-based): chr15:48,468,426, C>T on the plus strand (G>A on the coding strand, the complement: FBN1 is on the minus strand). VCF-style: chr15-48468426-C-T. GRCh37 (hg19) VCF-style: chr15-48760623-C-T.
Other names: short protein forms R1523Q.
Identifiers: ClinVar variation 926690 (VCV000926690.12), dbSNP rs201546777, ClinGen allele CA053258.

ClinVar aggregate classification (germline): Uncertain significance. Review status: criteria provided, multiple submitters, no conflicts (2 of 4 stars). 6 submissions from 6 submitters: Uncertain significance (6). Last evaluated 2025-04-09.

Conditions:
Familial thoracic aortic aneurysm and aortic dissection (TAAD). Also called: Thoracic aortic aneurysms and dissections. Identifiers: Orphanet 91387, MedGen C4707243, MONDO:0019625.
Marfan syndrome (MFS). Also called: Marfan syndrome, classic; Marfan syndrome type 1; Marfan's syndrome; FBN1-Related Marfan Syndrome; MARFAN SYNDROME, TYPE I. Identifiers: Orphanet 284963, Orphanet 558, MedGen C0024796, MONDO:0007947, OMIM 154700.

Allele frequency attached by ClinVar (database versions not stated): gnomAD 0.00001; ExAC 0.00002; TOPMed 0.00001; gnomAD exomes 0.00002 and 0.00003.
gnomAD v4.1: 39 of 1,614,122 alleles (0.0024%); highest among the groups gnomAD compares: East Asian, 0.0045%; no homozygotes.

Submissions (6):

Ambry Genetics
Classification: Uncertain significance for Familial thoracic aortic aneurysm and aortic dissection. Last evaluated: 2025-04-09. Review status: criteria provided, single submitter. Criteria: Ambry Variant Classification Scheme 2023. Collection method: clinical testing. Allele origin: germline.
Comment: The p.R1523Q variant (also known as c.4568G>A), located in coding exon 36 of the FBN1 gene, results from a G to A substitution at nucleotide position 4568. The arginine at codon 1523 is replaced by glutamine, an amino acid with highly similar properties. This variant was reported in an individual in a connective tissue disorder cohort, but clinical details were limited (Renner S et al. Genet Med, 2019 Aug;21:1832-1841). This amino acid position is well conserved in available vertebrate species. In addition, the in silico prediction for this alteration is inconclusive. Based on the available evidence, the clinical significance of this variant remains unclear.

Clinical Genomics Laboratory, Washington University in St. Louis
Classification: Uncertain significance for Marfan syndrome. Last evaluated: 2025-01-05. Review status: criteria provided, single submitter. Criteria: ACMG Guidelines, 2015. Collection method: clinical testing. Allele origin: germline.
Comment: The FBN1 c.4568G>A (p.Arg1523Gln) variant has been reported in one individuals affected with hereditary connective tissue disorder, thoracic aortic aneurysm, and dissection, who was also carrying a variant of uncertain significance in NOTCH1 and two likely pathogenic variants in SMAD3 (Renner S et al., PMID: 30675029). This variant has been reported in the ClinVar database as a variant of uncertain significance by 4 submitters (Variation ID: 926690). The highest population minor allele frequency in the population database genome aggregation database (v.2.1.1) is 0.004% in the Finnish population. Computational predictors are uncertain as to the impact of this variant on FBN1 function. Due to limited information, and based on ACMG/AMP guidelines for variant interpretation (Richards S et al., PMID: 25741868), the clinical significance of this variant is uncertain at this time.

All of Us Research Program, National Institutes of Health
Classification: Uncertain significance for Marfan syndrome. Last evaluated: 2024-09-23. Review status: criteria provided, single submitter. Criteria: ACMG Guidelines, 2015. Collection method: clinical testing. Allele origin: germline. Inheritance: Autosomal dominant inheritance. Observed: 8 variant alleles, 8 heterozygotes.
Comment: This missense variant replaces arginine with glutamine at codon 1523 of the FBN1 protein. Computational prediction suggests that this variant may not impact protein structure and function (internally defined REVEL score threshold <= 0.5, PMID: 27666373). To our knowledge, functional studies have not been reported for this variant. This variant has not been reported in individuals affected with cardiovascular disorders in the literature. This variant has been identified in 5/282514 chromosomes in the general population by the Genome Aggregation Database (gnomAD). The available evidence is insufficient to determine the role of this variant in disease conclusively. Therefore, this variant is classified as a Variant of Uncertain Significance.

This study involves interpretation of variants in research participants for the purpose of population health screening. Participant phenotype was not available at the time of variant classification. Additional details can be found in publication PMID: 35346344, PMCID: PMC8962531

Color Diagnostics, LLC DBA Color Health
Classification: Uncertain significance for Familial thoracic aortic aneurysm and aortic dissection. Last evaluated: 2024-07-24. Review status: criteria provided, single submitter. Criteria: ACMG Guidelines, 2015. Collection method: clinical testing. Allele origin: germline.
Comment: This missense variant replaces arginine with glutamine at codon 1523 of the FBN1 protein. Computational prediction suggests that this variant may not impact protein structure and function. To our knowledge, functional studies have not been reported for this variant. This variant has not been reported in individuals affected with FBN1-related disorders in the literature. This variant has been identified in 5/282514 chromosomes in the general population by the Genome Aggregation Database (gnomAD). The available evidence is insufficient to determine the role of this variant in disease conclusively. Therefore, this variant is classified as a Variant of Uncertain Significance.

Labcorp Genetics (formerly Invitae), Labcorp
Classification: Uncertain significance for Marfan syndrome; Familial thoracic aortic aneurysm and aortic dissection. Last evaluated: 2023-05-16. Review status: criteria provided, single submitter. Criteria: Invitae Variant Classification Sherloc (09022015). Collection method: clinical testing. Allele origin: germline.
Comment: In summary, the available evidence is currently insufficient to determine the role of this variant in disease. Therefore, it has been classified as a Variant of Uncertain Significance. Advanced modeling of protein sequence and biophysical properties (such as structural, functional, and spatial information, amino acid conservation, physicochemical variation, residue mobility, and thermodynamic stability) has been performed at Invitae for this missense variant, however the output from this modeling did not meet the statistical confidence thresholds required to predict the impact of this variant on FBN1 protein function. ClinVar contains an entry for this variant (Variation ID: 926690). This variant has not been reported in the literature in individuals affected with FBN1-related conditions. This variant is present in population databases (rs201546777, gnomAD 0.004%). This sequence change replaces arginine, which is basic and polar, with glutamine, which is neutral and polar, at codon 1523 of the FBN1 protein (p.Arg1523Gln).

GeneDx
Classification: Uncertain significance. Last evaluated: 2022-08-09. Review status: criteria provided, single submitter. Criteria: GeneDx Variant Classification Process June 2021. Collection method: clinical testing. Allele origin: germline. Affected: yes.
Comment: Has not been previously published as pathogenic or benign to our knowledge; Not observed at significant frequency in large population cohorts (gnomAD); In silico analysis supports that this missense variant does not alter protein structure/function; Although located in a calcium-binding EGF-like domain of the FBN1 gene, it does not affect a cysteine residue within this domain; cysteine substitutions in the calcium-binding EGF-like domains represent the majority of pathogenic missense changes associated with FBN1-related disorders (Collod-Beroud et al., 2003); This variant is associated with the following publications: (PMID: 12938084)

Literature cited by the submitters: PubMed 30675029 (cited by Ambry Genetics).